The following is an entry in ClinVar:

ClinVar aggregate classification (germline): Conflicting classifications of pathogenicity. Review status: criteria provided, conflicting classifications (1 of 4 stars). 2 submissions from 2 submitters: Uncertain significance (1); Benign (1). Last evaluated 2025-11-25.

Conditions:
KMT2D-related disorder. Also called: KMT2D-Related Disorders.
Kabuki syndrome. Also called: Kabuki make-up syndrome; NIIKAWA-KUROKI SYNDROME. Identifiers: Orphanet 2322, MedGen C0796004, MONDO:0016512.

Allele frequency attached by ClinVar (database versions not stated): gnomAD exomes below 0.00001 and 0.00002; TOPMed 0.00003; ExAC 0.00004.
gnomAD v4.1: 7 of 1,594,558 alleles (0.00044%); highest among the groups gnomAD compares: East Asian, 0.011%; no homozygotes.

Submissions (2):

Labcorp Genetics (formerly Invitae), Labcorp
Classification: Benign for Kabuki syndrome. Last evaluated: 2025-11-25. Review status: criteria provided, single submitter. Criteria: Invitae Variant Classification Sherloc (09022015). Collection method: clinical testing. Allele origin: germline.

PreventionGenetics, part of Exact Sciences
Classification: Uncertain significance for KMT2D-related condition. Last evaluated: 2023-08-21. Review status: criteria provided, single submitter. Criteria: ACMG Guidelines, 2015. Collection method: clinical testing. Allele origin: germline.
Comment: The KMT2D c.688G>A variant is predicted to result in the amino acid substitution p.Ala230Thr. To our knowledge, this variant has not been reported in the literature. This variant is reported in 0.032% of alleles in individuals of East Asian descent in gnomAD. Although we suspect that this variant may be benign, at this time, the clinical significance of this variant is uncertain due to the absence of conclusive functional and genetic evidence.

NM_003482.4(KMT2D):c.688G>A (p.Ala230Thr)

Gene: KMT2D (lysine methyltransferase 2D; minus strand). Cytogenetic location: 12q13.12.
Variant type: single nucleotide variant.
Coding change: c.688G>A on transcript NM_003482.4 (MANE Select); coding-DNA position 688, G replaced by A.
Protein change: p.Ala230Thr; replaces alanine 230 with threonine.
Molecular consequence: missense variant.
Genome position (GRCh38, 1-based): chr12:49,053,627, C>T on the plus strand (G>A on the coding strand, the complement: KMT2D is on the minus strand). VCF-style: chr12-49053627-C-T. GRCh37 (hg19) VCF-style: chr12-49447410-C-T.
Other names: c.688G>A (NM_003482.3); short protein forms A230T.
Identifiers: ClinVar variation 1502067 (VCV001502067.9), dbSNP rs758710579, ClinGen allele CA6548670.
Genomic context (GRCh38, chr12:49,053,627, plus strand): 5'-GATGCCCACAGCTGGTACAGAAGAACAGGTCACACAACTCCCCTGGCCCCTCACACACTG[C>T]ACAGCGAGCCTCCTCTGCAGGGGGTAGAGACACCACAGGTCAGCTATGGATTCCTTGTAA-3'
Protein context (NP_003473.3, residues 220-240): GAAYLEEARC[Ala230Thr]VCEGPGELCD